The following is an entry in ClinVar:

ClinVar aggregate classification (germline): Uncertain significance (1 of 4 stars; one submission).

Conditions:
Tumor predisposition syndrome 3 (TPDS3). Also called: Melanoma, cutaneous malignant, susceptibility to, 10; Glioma susceptibility 9; LONG TELOMERE SYNDROME, POT1-RELATED; POT1 Tumor Predisposition. Identifiers: Orphanet 618, MedGen C4014476, MONDO:0014368, OMIM 615848.

Submission:

Labcorp Genetics (formerly Invitae), Labcorp
Classification: Uncertain significance for Tumor predisposition syndrome 3. Last evaluated: 2025-08-18. Review status: criteria provided, single submitter. Criteria: Invitae Variant Classification Sherloc (09022015). Collection method: clinical testing. Allele origin: germline.
Comment: This sequence change replaces tryptophan, which is neutral and slightly polar, with cysteine, which is neutral and slightly polar, at codon 424 of the POT1 protein (p.Trp424Cys). This variant is not present in population databases (gnomAD no frequency). This variant has not been reported in the literature in individuals affected with POT1-related conditions. Invitae Evidence Modeling of protein sequence and biophysical properties (such as structural, functional, and spatial information, amino acid conservation, physicochemical variation, residue mobility, and thermodynamic stability) indicates that this missense variant is not expected to disrupt POT1 protein function with a negative predictive value of 80%. In summary, the available evidence is currently insufficient to determine the role of this variant in disease. Therefore, it has been classified as a Variant of Uncertain Significance.

NM_015450.3(POT1):c.1272G>T (p.Trp424Cys)

Gene: POT1 (protection of telomeres 1; minus strand). Cytogenetic location: 7q31.33.
Variant type: single nucleotide variant.
Coding change: c.1272G>T on transcript NM_015450.3 (MANE Select); coding-DNA position 1272, G replaced by T.
Protein change: p.Trp424Cys; replaces tryptophan 424 with cysteine.
Molecular consequence: missense variant. On other transcripts: non-coding transcript variant (3).
Genome position (GRCh38, 1-based): chr7:124,841,070, C>A on the plus strand (G>T on the coding strand, the complement: POT1 is on the minus strand). VCF-style: chr7-124841070-C-A. GRCh37 (hg19) VCF-style: chr7-124481124-C-A.
Other names: c.879G>T, p.Trp293Cys (NM_001042594.2); short protein forms W424C, W293C.
Identifiers: ClinVar variation 4743411 (VCV004743411.1).